The following is an entry in ClinVar:

NM_000181.4(GUSB):c.151T>A (p.Phe51Ile)

Gene: GUSB (glucuronidase beta; minus strand). Cytogenetic location: 7q11.21.
Variant type: single nucleotide variant.
Coding change: c.151T>A on transcript NM_000181.4 (MANE Select); coding-DNA position 151, T replaced by A.
Protein change: p.Phe51Ile; replaces phenylalanine 51 with isoleucine.
Molecular consequence: missense variant. On other transcripts: 5 prime UTR variant (2), non-coding transcript variant (1).
Genome position (GRCh38, 1-based): chr7:65,982,033, A>T on the plus strand (T>A on the coding strand, the complement: GUSB is on the minus strand). VCF-style: chr7-65982033-A-T. GRCh37 (hg19) VCF-style: chr7-65447020-A-T.
Other names: c.151T>A, p.Phe51Ile (NM_001284290.2); c.-235T>A (NM_001293104.2); c.-179T>A (NM_001293105.2); short protein forms F51I.
Identifiers: ClinVar variation 1696099 (VCV001696099.3), dbSNP rs2116062709, ClinGen allele CA367654900.
Genomic context (GRCh38, chr7:65,982,033, plus strand): 5'-CCTCCCACAGCGGCCGCCGGTACCACTGCTCCTCGAAGCCCCGGCGTCGGTTGTCAGAGA[A>T]GTCGGCGCGGAAGCTCCAGAGGCCGTCCAGCTCCTTGCACTCCCGCGACGGGCTCTCCTG-3'
Protein context (NP_000172.2, residues 41-61): LDGLWSFRAD[Phe51Ile]SDNRRRGFEE

ClinVar aggregate classification (germline): Uncertain significance. Review status: criteria provided, multiple submitters, no conflicts (2 of 4 stars). 2 submissions from 2 submitters: Uncertain significance (2). Last evaluated 2022-05-03.

gnomAD v4.1: 10 of 1,610,646 alleles (0.00062%); highest among the groups gnomAD compares: Non-Finnish European, 0.00085%; no homozygotes.

Submissions (2):

Women's Health and Genetics/Laboratory Corporation of America, LabCorp
Classification: Uncertain significance. Last evaluated: 2022-05-03. Review status: criteria provided, single submitter. Criteria: LabCorp Variant Classification Summary - May 2015. Collection method: clinical testing. Allele origin: germline.

GeneDx
Classification: Uncertain significance. Last evaluated: 2022-03-31. Review status: criteria provided, single submitter. Criteria: GeneDx Variant Classification Process June 2021. Collection method: clinical testing. Allele origin: germline. Affected: yes.
Comment: Has not been previously published as pathogenic or benign to our knowledge; Not observed at significant frequency in large population cohorts (gnomAD); In silico analysis supports that this missense variant does not alter protein structure/function